The following is an entry in ClinVar:

NC_000002.11:g.(?_48010373)_(48033999_?)dup

Gene: MSH6 (mutS homolog 6; plus strand). Cytogenetic location: 2p16.3.
Variant type: Duplication.
Identifiers: ClinVar variation 3247078 (VCV003247078.1).

ClinVar aggregate classification (germline): Uncertain significance (1 of 4 stars; one submission).

Conditions:
Hereditary nonpolyposis colorectal neoplasms. Identifiers: MedGen C0009405, MeSH D003123.

Submission:

Labcorp Genetics (formerly Invitae), Labcorp
Classification: Uncertain significance for Hereditary nonpolyposis colorectal neoplasms. Last evaluated: 2023-12-23. Review status: criteria provided, single submitter. Criteria: Invitae Variant Classification Sherloc (09022015). Collection method: clinical testing. Allele origin: unknown.
Comment: A copy number gain of the genomic region encompassing the full coding sequence of the MSH6 gene has been identified. The boundaries of this event are unknown as they extend beyond the assayed region for this gene and therefore may encompass additional genes. As the precise location of this event is unknown, it may be in tandem or it may be located elsewhere in the genome. This variant has not been reported in the literature in individuals affected with MSH6-related conditions. Experimental studies and prediction algorithms are not available or were not evaluated, and the functional significance of this variant is currently unknown. In summary, the available evidence is currently insufficient to determine the role of this variant in disease. Therefore, it has been classified as a Variant of Uncertain Significance.